The following is an entry in ClinVar:

NM_022726.4(ELOVL4):c.770G>A (p.Ser257Asn)

Gene: ELOVL4 (ELOVL fatty acid elongase 4; minus strand). Cytogenetic location: 6q14.1.
Variant type: single nucleotide variant.
Coding change: c.770G>A on transcript NM_022726.4 (MANE Select); coding-DNA position 770, G replaced by A.
Protein change: p.Ser257Asn; replaces serine 257 with asparagine.
Molecular consequence: missense variant.
Genome position (GRCh38, 1-based): chr6:79,916,783, C>T on the plus strand (G>A on the coding strand, the complement: ELOVL4 is on the minus strand). VCF-style: chr6-79916783-C-T. GRCh37 (hg19) VCF-style: chr6-80626500-C-T.
Other names: short protein forms S257N.
Identifiers: ClinVar variation 1386610 (VCV001386610.6), dbSNP rs1207102482, ClinGen allele CA364655887.

ClinVar aggregate classification (germline): Uncertain significance (1 of 4 stars; one submission).

Allele frequency attached by ClinVar (database versions not stated): gnomAD exomes below 0.00001; TOPMed below 0.00001; gnomAD 0.00001.
gnomAD v4.1: 2 of 1,614,012 alleles (0.00012%); highest among the groups gnomAD compares: Non-Finnish European, 0.00017%; no homozygotes.

Submission:

Labcorp Genetics (formerly Invitae), Labcorp
Classification: Uncertain significance. Last evaluated: 2022-02-17. Review status: criteria provided, single submitter. Criteria: Invitae Variant Classification Sherloc (09022015). Collection method: clinical testing. Allele origin: germline.
Comment: This sequence change replaces serine, which is neutral and polar, with asparagine, which is neutral and polar, at codon 257 of the ELOVL4 protein (p.Ser257Asn). In summary, the available evidence is currently insufficient to determine the role of this variant in disease. Therefore, it has been classified as a Variant of Uncertain Significance. Algorithms developed to predict the effect of missense changes on protein structure and function are either unavailable or do not agree on the potential impact of this missense change (SIFT: "Tolerated"; PolyPhen-2: "Probably Damaging"; Align-GVGD: "Class C0"). This variant has not been reported in the literature in individuals affected with ELOVL4-related conditions. This variant is not present in population databases (gnomAD no frequency).